The following is an entry in ClinVar:

NM_000379.4(XDH):c.1038G>A (p.Ala346=)

Gene: XDH (xanthine dehydrogenase; minus strand). Cytogenetic location: 2p23.1.
Variant type: single nucleotide variant.
Coding change: c.1038G>A on transcript NM_000379.4 (MANE Select); coding-DNA position 1038, G replaced by A.
Protein change: p.Ala346=; no amino-acid change (alanine 346 retained).
Molecular consequence: synonymous variant.
Genome position (GRCh38, 1-based): chr2:31,383,001, C>T on the plus strand (G>A on the coding strand, the complement: XDH is on the minus strand). VCF-style: chr2-31383001-C-T. GRCh37 (hg19) VCF-style: chr2-31605867-C-T.
Identifiers: ClinVar variation 954486 (VCV000954486.4), dbSNP rs557992688, ClinGen allele CA1599393.

ClinVar aggregate classification (germline): Uncertain significance. Review status: criteria provided, multiple submitters, no conflicts (2 of 4 stars). 2 submissions from 2 submitters: Uncertain significance (2). Last evaluated 2021-12-03.

Conditions:
Xanthinuria type II. Also called: Xanthine dehydrogenase and aldehyde oxidase combined deficiency of; XDH and AOX dual deficiency. Identifiers: Orphanet 3467, Orphanet 93602, MedGen C1863688, MONDO:0011346, OMIM 603592.
Hereditary xanthinuria type 1 (XAN1). Identifiers: Orphanet 3467, Orphanet 93601, MedGen C0268118, MONDO:0010209, OMIM 278300.

Allele frequency attached by ClinVar (database versions not stated): TOPMed 0.00001.
gnomAD v4.1: 58 of 1,614,018 alleles (0.0036%); highest among the groups gnomAD compares: Non-Finnish European, 0.0046%; no homozygotes.

Submissions (2):

Fulgent Genetics
Classification: Uncertain significance for Hereditary xanthinuria type 1. Last evaluated: 2021-12-03. Review status: criteria provided, single submitter. Criteria: ACMG Guidelines, 2015. Collection method: clinical testing. Allele origin: unknown.

Labcorp Genetics (formerly Invitae), Labcorp
Classification: Uncertain significance for Xanthinuria type II. Last evaluated: 2019-09-24. Review status: criteria provided, single submitter. Criteria: Invitae Variant Classification Sherloc (09022015). Collection method: clinical testing. Allele origin: germline.
Comment: This sequence change affects codon 346 of the XDH mRNA. It is a 'silent' change, meaning that it does not change the encoded amino acid sequence of the XDH protein. This variant also falls at the last nucleotide of exon 11 of the XDH coding sequence, which is part of the consensus splice site for this exon. This variant is present in population databases (rs557992688, ExAC 0.001%). This variant has not been reported in the literature in individuals with XDH-related conditions. Nucleotide substitutions within the consensus splice site are a relatively common cause of aberrant splicing (PMID: 17576681, 9536098). Algorithms developed to predict the effect of sequence changes on RNA splicing suggest that this variant may disrupt the consensus splice site, but this prediction has not been confirmed by published transcriptional studies. In summary, the available evidence is currently insufficient to determine the role of this variant in disease. Therefore, it has been classified as a Variant of Uncertain Significance.

Literature cited by the submitters: PubMed 17576681 (cited by Labcorp Genetics (formerly Invitae), Labcorp); PubMed 9536098 (cited by Labcorp Genetics (formerly Invitae), Labcorp).